The following is an entry in ClinVar:

NM_001145809.2(MYH14):c.1835A>G (p.Asp612Gly)

Gene: MYH14 (myosin heavy chain 14; plus strand). Cytogenetic location: 19q13.33.
Variant type: single nucleotide variant.
Coding change: c.1835A>G on transcript NM_001145809.2 (MANE Select); coding-DNA position 1835, A replaced by G.
Protein change: p.Asp612Gly; replaces aspartic acid 612 with glycine.
Molecular consequence: missense variant.
Genome position (GRCh38, 1-based): chr19:50,252,643, A>G. VCF-style: chr19-50252643-A-G. GRCh37 (hg19) VCF-style: chr19-50755900-A-G.
Other names: c.1835A>G, p.Asp612Gly (NM_001077186.2); c.1811A>G, p.Asp604Gly (NM_024729.4); short protein forms D604G, D612G.
Identifiers: ClinVar variation 2631432 (VCV002631432.1), dbSNP rs2514366985, ClinGen allele CA406961203.

ClinVar aggregate classification (germline): Uncertain significance (1 of 4 stars; one submission).

Conditions:
MYH14-related disorder. Also called: MYH14-related condition.

Submission:

PreventionGenetics, part of Exact Sciences
Classification: Uncertain significance for MYH14-related condition. Last evaluated: 2023-07-10. Review status: criteria provided, single submitter. Criteria: ACMG Guidelines, 2015. Collection method: clinical testing. Allele origin: germline.
Comment: The MYH14 c.1835A>G variant is predicted to result in the amino acid substitution p.Asp612Gly. To our knowledge, this variant has not been reported in the literature or in a large population database, indicating this variant is rare. At this time, the clinical significance of this variant is uncertain due to the absence of conclusive functional and genetic evidence.